The following is an entry in ClinVar:

ClinVar aggregate classification (germline): Uncertain significance (1 of 4 stars; one submission).

Allele frequency attached by ClinVar (database versions not stated): gnomAD 0.00001; TOPMed 0.00001.

Submission:

Labcorp Genetics (formerly Invitae), Labcorp
Classification: Uncertain significance. Last evaluated: 2024-05-06. Review status: criteria provided, single submitter. Criteria: Invitae Variant Classification Sherloc (09022015). Collection method: clinical testing. Allele origin: germline.
Comment: This sequence change replaces valine, which is neutral and non-polar, with isoleucine, which is neutral and non-polar, at codon 85 of the RNF13 protein (p.Val85Ile). This variant is not present in population databases (gnomAD no frequency). This variant has not been reported in the literature in individuals affected with RNF13-related conditions. ClinVar contains an entry for this variant (Variation ID: 1512290). Advanced modeling of protein sequence and biophysical properties (such as structural, functional, and spatial information, amino acid conservation, physicochemical variation, residue mobility, and thermodynamic stability) performed at Invitae indicates that this missense variant is not expected to disrupt RNF13 protein function with a negative predictive value of 80%. In summary, the available evidence is currently insufficient to determine the role of this variant in disease. Therefore, it has been classified as a Variant of Uncertain Significance.

NM_183381.3(RNF13):c.253G>A (p.Val85Ile)

Gene: RNF13 (ring finger protein 13; plus strand). Cytogenetic location: 3q25.1.
Variant type: single nucleotide variant.
Coding change: c.253G>A on transcript NM_183381.3 (MANE Select); coding-DNA position 253, G replaced by A.
Protein change: p.Val85Ile; replaces valine 85 with isoleucine.
Molecular consequence: missense variant. On other transcripts: 5 prime UTR variant (6), non-coding transcript variant (1).
Genome position (GRCh38, 1-based): chr3:149,872,086, G>A. VCF-style: chr3-149872086-G-A. GRCh37 (hg19) VCF-style: chr3-149589873-G-A.
Other names: c.253G>A, p.Val85Ile (NM_001378285.1, NM_001378286.1, NM_007282.4); c.-115G>A (NM_001378287.1, NM_001378288.1, NM_001378289.1 and 2 more transcripts); c.-141G>A (NM_001378291.1); short protein forms V85I.
Identifiers: ClinVar variation 1512290 (VCV001512290.8), dbSNP rs948687931, ClinGen allele CA85739466.